The following is an entry in ClinVar:

ClinVar aggregate classification (germline): Uncertain significance (1 of 4 stars; one submission).

Conditions:
Malignant hyperthermia, susceptibility to, 1 (MHS1). Also called: Anesthesia related hyperthermia; Malignant hyperpyrexia; Fulminating hyperpyrexia; Pharmacogenic myopathy; RYR1-Related Malignant Hyperthermia Susceptibility; Malignant hyperthermia suceptibility 1. Identifiers: Orphanet 423, MedGen C2930980, MONDO:0007783, OMIM 145600.

Submission:

All of Us Research Program, National Institutes of Health
Classification: Uncertain significance for Malignant hyperthermia, susceptibility to, 1. Last evaluated: 2024-05-30. Review status: criteria provided, single submitter. Criteria: ACMG Guidelines, 2015. Collection method: clinical testing. Allele origin: germline. Inheritance: Autosomal dominant inheritance. Observed: 1 variant allele, 1 heterozygote.
Comment: This missense variant replaces arginine with glycine at codon 1130 of the RYR1 protein. Computational prediction is inconclusive regarding the impact of this variant on protein structure and function (internally defined REVEL score threshold 0.5 < inconclusive < 0.7, PMID: 27666373). To our knowledge, functional studies have not been reported for this variant. This variant has not been reported in individuals affected with RYR1-related disorders in the literature. This variant has not been identified in the general population by the Genome Aggregation Database (gnomAD). The available evidence is insufficient to determine the role of this variant in disease conclusively. Therefore, this variant is classified as a Variant of Uncertain Significance.

This study involves interpretation of variants in research participants for the purpose of population health screening. Participant phenotype was not available at the time of variant classification. Additional details can be found in publication PMID: 35346344, PMCID: PMC8962531

NM_000540.3(RYR1):c.3388C>G (p.Arg1130Gly)

Gene: RYR1 (ryanodine receptor 1; plus strand). Cytogenetic location: 19q13.2.
Variant type: single nucleotide variant.
Coding change: c.3388C>G on transcript NM_000540.3 (MANE Select); coding-DNA position 3388, C replaced by G.
Protein change: p.Arg1130Gly; replaces arginine 1130 with glycine.
Molecular consequence: missense variant.
Genome position (GRCh38, 1-based): chr19:38,468,972, C>G. VCF-style: chr19-38468972-C-G. GRCh37 (hg19) VCF-style: chr19-38959612-C-G.
Other names: c.3388C>G, p.Arg1130Gly (NM_001042723.2); short protein forms R1130G.
Identifiers: ClinVar variation 3387682 (VCV003387682.1).
Genomic context (GRCh38, chr19:38,468,972, plus strand): 5'-CTCCATTTCTCTGTGTGTCTCCCCACACCATGTCTTCTCTGGCTGTCCTCACAGGGCCAG[C>G]GCTGGCACTTGGGCAGTGAACCATTTGGGCGCCCCTGGCAGCCGGGCGATGTCGTTGGCT-3'
Protein context (NP_000531.2, residues 1120-1140): AYVFNGHRGQ[Arg1130Gly]WHLGSEPFGR